The following is an entry in ClinVar:

NM_000395.3(CSF2RB):c.2010C>T (p.Ser670=)

Gene: CSF2RB (colony stimulating factor 2 receptor subunit beta; plus strand). Cytogenetic location: 22q12.3.
Variant type: single nucleotide variant.
Coding change: c.2010C>T on transcript NM_000395.3 (MANE Select); coding-DNA position 2010, C replaced by T.
Protein change: p.Ser670=; no amino-acid change (serine 670 retained).
Molecular consequence: synonymous variant.
Genome position (GRCh38, 1-based): chr22:36,937,818, C>T. VCF-style: chr22-36937818-C-T. GRCh37 (hg19) VCF-style: chr22-37333860-C-T.
Other names: c.2010C>T (NM_000395.2); c.2028C>T, p.Ser676= (NM_001410827.1).
Identifiers: ClinVar variation 2905311 (VCV002905311.6), dbSNP rs372963427, ClinGen allele CA10214024.

ClinVar aggregate classification (germline): Likely benign. Review status: criteria provided, multiple submitters, no conflicts (2 of 4 stars). 3 submissions from 3 submitters: Likely benign (2). 1 of the submissions does not count toward it. Last evaluated 2024-12-31.

Conditions:
CSF2RB-related disorder. Also called: CSF2RB-related condition.

Allele frequency attached by ClinVar (database versions not stated): gnomAD 0.00001; TOPMed 0.00002; ESP Exome Variant Server 0.00008; gnomAD exomes 0.00008; ExAC 0.00013.
gnomAD v4.1: 119 of 1,600,186 alleles (0.0074%); highest among the groups gnomAD compares: Non-Finnish European, 0.0094%; no homozygotes.

Submissions (3):

Labcorp Genetics (formerly Invitae), Labcorp
Classification: Likely benign. Last evaluated: 2024-12-31. Review status: criteria provided, single submitter. Criteria: Invitae Variant Classification Sherloc (09022015). Collection method: clinical testing. Allele origin: germline.

Blueprint Genetics
Classification: Likely benign. Last evaluated: 2021-12-03. Review status: criteria provided, single submitter. Criteria: ACMG Guidelines, 2015. Collection method: clinical testing. Allele origin: germline.

PreventionGenetics, part of Exact Sciences
Classification: Likely benign for CSF2RB-related condition. Last evaluated: 2023-11-30. Review status: no assertion criteria provided. Collection method: clinical testing. Allele origin: germline. Not counted in ClinVar's aggregate classification.
Comment: This variant is classified as likely benign based on ACMG/AMP sequence variant interpretation guidelines (Richards et al. 2015 PMID: 25741868, with internal and published modifications).